The following is an entry in ClinVar:

NM_001366385.1(CARD14):c.211+6C>T

Gene: CARD14 (caspase recruitment domain family member 14; plus strand). Cytogenetic location: 17q25.3.
Variant type: single nucleotide variant.
Coding change: c.211+6C>T on transcript NM_001366385.1 (MANE Select); 6 bases into the intron after coding-DNA position 211, C replaced by T.
Molecular consequence: intron variant.
Genome position (GRCh38, 1-based): chr17:80,181,655, C>T. VCF-style: chr17-80181655-C-T. GRCh37 (hg19) VCF-style: chr17-78155454-C-T.
Other names: c.211+6C>T (NM_024110.4, NM_001257970.1).
Identifiers: ClinVar variation 2922837 (VCV002922837.3), dbSNP rs1012573570, ClinGen allele CA294855904.

ClinVar aggregate classification (germline): Uncertain significance (1 of 4 stars; one submission).

Conditions:
Psoriasis 2. Identifiers: MedGen C1864497, MONDO:0011269, OMIM 602723.
Pityriasis rubra pilaris (PRP). Also called: Pityriasis rubra pilaris--familial type. Identifiers: Orphanet 2897, MedGen C0032027, MONDO:0100017, OMIM 173200, MONDO:0008251.

Allele frequency attached by ClinVar (database versions not stated): gnomAD exomes 0.00001; gnomAD 0.00002; TOPMed 0.00002.
gnomAD v4.1: 16 of 1,538,604 alleles (0.001%); highest among the groups gnomAD compares: Admixed American, 0.0059%; no homozygotes.

Submission:

Labcorp Genetics (formerly Invitae), Labcorp
Classification: Uncertain significance for Pityriasis rubra pilaris; Psoriasis 2. Last evaluated: 2025-06-12. Review status: criteria provided, single submitter. Criteria: Invitae Variant Classification Sherloc (09022015). Collection method: clinical testing. Allele origin: germline.
Comment: This sequence change falls in intron 2 of the CARD14 gene. It does not directly change the encoded amino acid sequence of the CARD14 protein. It affects a nucleotide within the consensus splice site. This variant is present in population databases (no rsID available, gnomAD 0.008%). This variant has not been reported in the literature in individuals affected with CARD14-related conditions. ClinVar contains an entry for this variant (Variation ID: 2922837). Variants that disrupt the consensus splice site are a relatively common cause of aberrant splicing (PMID: 17576681, 9536098). Algorithms developed to predict the effect of sequence changes on RNA splicing suggest that this variant is not likely to affect RNA splicing. In summary, the available evidence is currently insufficient to determine the role of this variant in disease. Therefore, it has been classified as a Variant of Uncertain Significance.

Literature cited by the submitters: PubMed 17576681; PubMed 9536098.